The following is an entry in ClinVar:

NM_000518.5(HBB):c.-4C>T

Genes: HBB (hemoglobin subunit beta; minus strand), LOC106099062 (HBB recombination region; plus strand), LOC107133510 (origin of replication at HBB; plus strand). Cytogenetic location: 11p15.4.
Variant type: single nucleotide variant.
Coding change: c.-4C>T on transcript NM_000518.5 (MANE Select); 4 bases upstream of the start codon, C replaced by T.
Molecular consequence: 5 prime UTR variant.
Genome position (GRCh38, 1-based): chr11:5,227,025, G>A on the plus strand (C>T on the coding strand, the complement: HBB is on the minus strand). VCF-style: chr11-5227025-G-A. GRCh37 (hg19) VCF-style: chr11-5248255-G-A.
Identifiers: ClinVar variation 918087 (VCV000918087.3), dbSNP rs1035531758, ClinGen allele CA217115664.

ClinVar aggregate classification (germline): Uncertain significance. Review status: criteria provided, multiple submitters, no conflicts (2 of 4 stars). 3 submissions from 3 submitters: Uncertain significance (2). 1 of the submissions does not count toward it. Last evaluated 2023-09-20.

Conditions:
beta Thalassemia (BTHAL). Also called: Cooley's anemia; Erythroblastic anemia; Mediterranean anemia. Identifiers: Orphanet 848, MedGen C0005283, MONDO:0019402. Disease mechanism: loss of function.

Allele frequency attached by ClinVar (database versions not stated): gnomAD exomes below 0.00001; gnomAD 0.00001; TOPMed 0.00001.

Submissions (3):

Quest Diagnostics Nichols Institute San Juan Capistrano
Classification: Uncertain significance. Last evaluated: 2023-09-20. Review status: criteria provided, single submitter. Criteria: Quest Diagnostics criteria. Collection method: clinical testing. Allele origin: unknown.
Comment: The HBB c.-4C>T variant, to the best of our knowledge, has not been reported in the published literature. It also has not been reported in large, multi-ethnic general populations (Genome Aggregation Database). Based on the available information, we are unable to determine the clinical significance of this variant.

Women's Health and Genetics/Laboratory Corporation of America, LabCorp
Classification: Uncertain significance. Last evaluated: 2020-03-06. Review status: criteria provided, single submitter. Criteria: LabCorp Variant Classification Summary - May 2015. Collection method: clinical testing. Allele origin: germline.
Comment: Variant summary: HBB c.-4C>T is located in the untranslated mRNA region upstream of the initiation codon. The variant was absent in 251080 control chromosomes (gnomAD). The available data on variant occurrences in the general population are insufficient to allow any conclusion about variant significance. To our knowledge, no occurrence of c.-4C>T in individuals affected with Hemoglobinopathy and no experimental evidence demonstrating its impact on protein function have been reported. No clinical diagnostic laboratories have submitted clinical-significance assessments for this variant to ClinVar after 2014. Based on the evidence outlined above, the variant was classified as uncertain significance.

Natera, Inc.
Classification: Uncertain significance for Beta thalassemia. Last evaluated: 2020-09-30. Review status: no assertion criteria provided. Collection method: clinical testing. Allele origin: germline. Not counted in ClinVar's aggregate classification.